The following is an entry in ClinVar:

ClinVar aggregate classification (germline): Benign/Likely benign. Review status: criteria provided, multiple submitters, no conflicts (2 of 4 stars). 12 submissions from 12 submitters: Benign (8); Likely benign (1). 3 of the submissions do not count toward it. Last evaluated 2026-02-04.

Conditions:
Cortical dysplasia-focal epilepsy syndrome (PTHSL1). Also called: Pitt-Hopkins-like syndrome 1. Identifiers: Orphanet 163681, Orphanet 221150, MedGen C2750246, MONDO:0012400, OMIM 610042.

Allele frequency attached by ClinVar (database versions not stated): gnomAD exomes 0.07745; ExAC 0.07998; gnomAD 0.10462 and 0.10641; TOPMed 0.10997; ESP Exome Variant Server 0.11118; 1000 Genomes Project 0.12580; 1000 Genomes Project 30x 0.12664.
gnomAD v4.1: 108,562 of 1,612,480 alleles (6.7%); highest among the groups gnomAD compares: African/African-American, 20%; 4,888 homozygotes.

Submissions (12):

Labcorp Genetics (formerly Invitae), Labcorp
Classification: Benign for Cortical dysplasia-focal epilepsy syndrome. Last evaluated: 2026-02-04. Review status: criteria provided, single submitter. Criteria: Invitae Variant Classification Sherloc (09022015). Collection method: clinical testing. Allele origin: germline.

Blueprint Genetics
Classification: Benign. Last evaluated: 2024-11-27. Review status: criteria provided, single submitter. Criteria: ACMG Guidelines, 2015. Collection method: clinical testing. Allele origin: germline.

Mayo Clinic Laboratories, Mayo Clinic
Classification: Benign. Last evaluated: 2018-04-10. Review status: criteria provided, single submitter. Criteria: ACMG Guidelines, 2015. Collection method: clinical testing. Allele origin: germline. Observed: 74 variant alleles.

Illumina Laboratory Services, Illumina
Classification: Benign for Cortical dysplasia-focal epilepsy syndrome. Last evaluated: 2018-01-13. Review status: criteria provided, single submitter. Criteria: ICSL Variant Classification Criteria 13 December 2019. Collection method: clinical testing. Allele origin: germline.
Comment: This variant was observed in the ICSL laboratory as part of a predisposition screen in an ostensibly healthy population. It had not been previously curated by ICSL or reported in the Human Gene Mutation Database (HGMD: prior to June 1st, 2018), and was therefore a candidate for classification through an automated scoring system. Utilizing variant allele frequency, disease prevalence and penetrance estimates, and inheritance mode, an automated score was calculated to assess if this variant is too frequent to cause the disease. Based on the score and internal cut-off values, a variant classified as benign is not then subjected to further curation. The score for this variant resulted in a classification of benign for this disease.

Athena Diagnostics
Classification: Benign. Last evaluated: 2017-08-17. Review status: criteria provided, single submitter. Criteria: Athena Diagnostics Criteria. Collection method: clinical testing. Allele origin: germline.

GeneDx
Classification: Benign. Last evaluated: 2015-03-03. Review status: criteria provided, single submitter. Criteria: GeneDx Variant Classification Process June 2021. Collection method: clinical testing. Allele origin: germline. Affected: yes.

Eurofins Ntd Llc (ga)
Classification: Benign. Last evaluated: 2013-03-27. Review status: criteria provided, single submitter. Criteria: EGL Classification Definitions 2015. Collection method: clinical testing. Allele origin: germline. Observed: 3 variant alleles, 3 heterozygotes.

Breakthrough Genomics
Classification: Likely benign. Review status: criteria provided, single submitter. Criteria: ACMG Guidelines, 2015. Collection method: not provided. Allele origin: germline. Inheritance: Autosomal recessive inheritance. Affected: yes.

PreventionGenetics, part of Exact Sciences
Classification: Benign. Review status: criteria provided, single submitter. Criteria: ACMG Guidelines, 2015. Collection method: clinical testing. Allele origin: germline.

Clinical Genetics DNA and cytogenetics Diagnostics Lab, Erasmus MC, Erasmus Medical Center
Classification: Benign. Review status: no assertion criteria provided. Collection method: clinical testing. Allele origin: germline. Affected: yes. Study: VKGL Data-share Consensus. Not counted in ClinVar's aggregate classification.

Genetic Services Laboratory, University of Chicago
Classification: Likely benign for AllHighlyPenetrant. Review status: no assertion criteria provided. Collection method: clinical testing. Allele origin: germline. Inheritance: Autosomal recessive inheritance. Not counted in ClinVar's aggregate classification.
Comment: Likely benign based on allele frequency in 1000 Genomes Project or ESP global frequency and its presence in a patient with a rare or unrelated disease phenotype. NOT Sanger confirmed.

Genome Diagnostics Laboratory, University Medical Center Utrecht
Classification: Benign. Review status: no assertion criteria provided. Collection method: clinical testing. Allele origin: germline. Affected: yes. Study: VKGL Data-share Consensus. Not counted in ClinVar's aggregate classification.

NM_014141.6(CNTNAP2):c.2256-6A>T

Gene: CNTNAP2 (contactin associated protein 2; plus strand). Cytogenetic location: 7q35.
Variant type: single nucleotide variant.
Coding change: c.2256-6A>T on transcript NM_014141.6 (MANE Select); 6 bases into the intron before coding-DNA position 2256, A replaced by T.
Molecular consequence: intron variant.
Genome position (GRCh38, 1-based): chr7:147,977,856, A>T. VCF-style: chr7-147977856-A-T. GRCh37 (hg19) VCF-style: chr7-147674948-A-T.
Other names: p.?.
Identifiers: ClinVar variation 95561 (VCV000095561.28), dbSNP rs10240482, ClinGen allele CA148622.